The following is an entry in ClinVar:

NM_014009.4(FOXP3):c.1247A>T (p.Lys416Ile)

Gene: FOXP3 (forkhead box P3; minus strand). Cytogenetic location: Xp11.23.
Variant type: single nucleotide variant.
Coding change: c.1247A>T on transcript NM_014009.4 (MANE Select); coding-DNA position 1247, A replaced by T.
Protein change: p.Lys416Ile; replaces lysine 416 with isoleucine.
Molecular consequence: missense variant.
Genome position (GRCh38, 1-based): chrX:49,251,383, T>A on the plus strand (A>T on the coding strand, the complement: FOXP3 is on the minus strand). VCF-style: chrX-49251383-T-A. GRCh37 (hg19) VCF-style: chrX-49107844-T-A.
Other names: c.1142A>T, p.Lys381Ile (NM_001114377.2); short protein forms K416I, K381I.
Identifiers: ClinVar variation 581555 (VCV000581555.10), dbSNP rs1569529568, ClinGen allele CA412947217.

ClinVar aggregate classification (germline): Uncertain significance. Review status: criteria provided, multiple submitters, no conflicts (2 of 4 stars). 2 submissions from 2 submitters: Uncertain significance (2). Last evaluated 2026-01-25.

Conditions:
Insulin-dependent diabetes mellitus secretory diarrhea syndrome (IPEX). Also called: IPEX and IPEX-Like; Immunodysregulation, polyendocrinopathy, and enteropathy, X-linked; Immunodeficiency, Polyendocrinopathy, and Enteropathy X-Linked Syndrome; X-Linked Syndrome of Polyendocrinopathy, Immune Dysfunction, and Diarrhea; X-Linked Autoimmunity-Allergic Dysregulation Syndrome; Immune dysregulation-polyendocrinopathy-enteropathy-X-linked syndrome. Identifiers: Orphanet 37042, MedGen C0342288, MONDO:0010580, OMIM 304790. Disease mechanism: loss of function.

Submissions (2):

GeneDx
Classification: Uncertain significance. Last evaluated: 2026-01-25. Review status: criteria provided, single submitter. Criteria: GeneDx Variant Classification Process June 2021. Collection method: clinical testing. Allele origin: germline.
Comment: Not observed at significant frequency in large population cohorts (gnomAD); In silico analysis supports that this missense variant has a deleterious effect on protein structure/function; Has not been previously published as pathogenic or benign to our knowledge

Labcorp Genetics (formerly Invitae), Labcorp
Classification: Uncertain significance for Insulin-dependent diabetes mellitus secretory diarrhea syndrome. Last evaluated: 2018-04-23. Review status: criteria provided, single submitter. Criteria: Invitae Variant Classification Sherloc (09022015). Collection method: clinical testing. Allele origin: germline.
Comment: This variant is not present in population databases (ExAC no frequency). This sequence change replaces lysine with isoleucine at codon 416 of the FOXP3 protein (p.Lys416Ile). The lysine residue is moderately conserved and there is a moderate physicochemical difference between lysine and isoleucine. This variant has not been reported in the literature in individuals with FOXP3-related disease. In summary, the available evidence is currently insufficient to determine the role of this variant in disease. Therefore, it has been classified as a Variant of Uncertain Significance. Algorithms developed to predict the effect of missense changes on protein structure and function do not agree on the potential impact of this missense change (SIFT: "Deleterious"; PolyPhen-2: "Probably Damaging"; Align-GVGD: "Class C15").